The following is an entry in ClinVar:

ClinVar aggregate classification (germline): Pathogenic (1 of 4 stars; one submission).

Conditions:
Hypodontia. Also called: Partial congenital absence of teeth; TOOTH AGENESIS, FAMILIAL; Tooth agenesis, selective. Identifiers: Orphanet 99798, MedGen C0020608, MONDO:0005486, HP:0000668. Disease mechanism: loss of function.

Submission:

Labcorp Genetics (formerly Invitae), Labcorp
Classification: Pathogenic for Hypodontia. Last evaluated: 2023-07-14. Review status: criteria provided, single submitter. Criteria: Invitae Variant Classification Sherloc (09022015). Collection method: clinical testing. Allele origin: germline.
Comment: For these reasons, this variant has been classified as Pathogenic. This variant disrupts a region of the PAX9 protein in which other variant(s) (p.Arg26Trp) have been determined to be pathogenic (PMID: 14571272, 28910570). This suggests that this is a clinically significant region of the protein, and that variants that disrupt it are likely to be disease-causing. ClinVar contains an entry for this variant (Variation ID: 649310). This variant has not been reported in the literature in individuals affected with PAX9-related conditions. This variant is not present in population databases (gnomAD no frequency). This sequence change affects the initiator methionine of the PAX9 mRNA. The next in-frame methionine is located at codon 188.

Literature cited by the submitters: PubMed 14571272; PubMed 28910570.

NM_001372076.1(PAX9):c.2T>A (p.Met1Lys)

Gene: PAX9 (paired box 9; plus strand). Cytogenetic location: 14q13.3.
Variant type: single nucleotide variant.
Coding change: c.2T>A on transcript NM_001372076.1 (MANE Select); coding-DNA position 2, T replaced by A.
Protein change: p.Met1Lys; changes the start codon (methionine 1).
Molecular consequence: missense variant, initiator codon variant.
Genome position (GRCh38, 1-based): chr14:36,662,091, T>A. VCF-style: chr14-36662091-T-A. GRCh37 (hg19) VCF-style: chr14-37131296-T-A.
Other names: c.2T>A, p.Met1Lys (NM_006194.4); short protein forms M1K.
Identifiers: ClinVar variation 649310 (VCV000649310.9), dbSNP rs1594465933, ClinGen allele CA389465889.